The following is an entry in ClinVar:

NM_001127715.4(STXBP5):c.1141A>G (p.Asn381Asp)

Gene: STXBP5 (syntaxin binding protein 5; plus strand). Cytogenetic location: 6q24.3.
Variant type: single nucleotide variant.
Coding change: c.1141A>G on transcript NM_001127715.4 (MANE Select); coding-DNA position 1141, A replaced by G.
Protein change: p.Asn381Asp; replaces asparagine 381 with aspartic acid.
Molecular consequence: missense variant.
Genome position (GRCh38, 1-based): chr6:147,311,523, A>G. VCF-style: chr6-147311523-A-G. GRCh37 (hg19) VCF-style: chr6-147632659-A-G.
Other names: c.1141A>G, p.Asn381Asp (NM_001394409.1, NM_139244.6); short protein forms N381D.
Identifiers: ClinVar variation 2637051 (VCV002637051.1), dbSNP rs2534137227, ClinGen allele CA365970974.

ClinVar aggregate classification (germline): Uncertain significance (1 of 4 stars; one submission).

Conditions:
STXBP5-related disorder. Also called: STXBP5-related condition.

Submission:

PreventionGenetics, part of Exact Sciences
Classification: Uncertain significance for STXBP5-related condition. Last evaluated: 2022-09-28. Review status: criteria provided, single submitter. Criteria: ACMG Guidelines, 2015. Collection method: clinical testing. Allele origin: germline.
Comment: The STXBP5 c.1141A>G variant is predicted to result in the amino acid substitution p.Asn381Asp. To our knowledge, this variant has not been reported in the literature or in a large population database, indicating this variant is rare. At this time, the clinical significance of this variant is uncertain due to the absence of conclusive functional and genetic evidence.